The following is an entry in ClinVar:

ClinVar aggregate classification (germline): Likely benign. Review status: criteria provided, multiple submitters, no conflicts (2 of 4 stars). 2 submissions from 2 submitters: Likely benign (2). Last evaluated 2022-05-07.

Conditions:
KBG syndrome (KBGS). Also called: ANKRD11-Related KBG Syndrome. Identifiers: Orphanet 2332, MedGen C0220687, MONDO:0007846, OMIM 148050.

Allele frequency attached by ClinVar (database versions not stated): ExAC 0.00014.
gnomAD v4.1: 20 of 1,559,604 alleles (0.0013%); highest among the groups gnomAD compares: East Asian, 0.0023%; no homozygotes.

Submissions (2):

Labcorp Genetics (formerly Invitae), Labcorp
Classification: Likely benign for KBG syndrome. Last evaluated: 2022-05-07. Review status: criteria provided, single submitter. Criteria: Invitae Variant Classification Sherloc (09022015). Collection method: clinical testing. Allele origin: germline.

CeGaT Center for Human Genetics Tuebingen
Classification: Likely benign. Last evaluated: 2022-05-01. Review status: criteria provided, single submitter. Criteria: CeGaT Center For Human Genetics Tuebingen Variant Classification Criteria Version 2. Collection method: clinical testing. Allele origin: germline. Affected: yes. Observed: 1 variant allele.
Comment: ANKRD11: BP4, BP7

NM_013275.6(ANKRD11):c.6138C>T (p.Ala2046=)

Gene: ANKRD11 (ankyrin repeat domain 11; minus strand). Cytogenetic location: 16q24.3.
Variant type: single nucleotide variant.
Coding change: c.6138C>T on transcript NM_013275.6 (MANE Select); coding-DNA position 6138, C replaced by T.
Protein change: p.Ala2046=; no amino-acid change (alanine 2046 retained).
Molecular consequence: synonymous variant.
Genome position (GRCh38, 1-based): chr16:89,280,404, G>A on the plus strand (C>T on the coding strand, the complement: ANKRD11 is on the minus strand). VCF-style: chr16-89280404-G-A. GRCh37 (hg19) VCF-style: chr16-89346812-G-A.
Other names: c.6138C>T, p.Ala2046= (NM_001256182.2, NM_001256183.2).
Identifiers: ClinVar variation 2142003 (VCV002142003.28), dbSNP rs756460819, ClinGen allele CA8241565.